The following is an entry in ClinVar:

ClinVar aggregate classification (germline): Uncertain significance (1 of 4 stars; one submission).

gnomAD v4.1: 3 of 1,498,146 alleles (0.0002%); highest among the groups gnomAD compares: East Asian, 0.005%; no homozygotes.

Submission:

Ambry Genetics
Classification: Uncertain significance. Last evaluated: 2025-05-18. Review status: criteria provided, single submitter. Criteria: Ambry Variant Classification Scheme 2023. Collection method: clinical testing. Allele origin: germline.
Comment: The p.Q1754R variant (also known as c.5261A>G), located in coding exon 22 of the WNK2 gene, results from an A to G substitution at nucleotide position 5261. The glutamine at codon 1754 is replaced by arginine, an amino acid with highly similar properties. This amino acid position is conserved. In addition, the in silico prediction for this alteration is inconclusive. Based on the available evidence, the clinical significance of this variant remains unclear.

NM_006648.4(WNK2):c.5261A>G (p.Gln1754Arg)

Gene: WNK2 (WNK lysine deficient protein kinase 2; plus strand). Cytogenetic location: 9q22.31.
Variant type: single nucleotide variant.
Coding change: c.5261A>G on transcript NM_006648.4 (MANE Select); coding-DNA position 5261, A replaced by G.
Protein change: p.Gln1754Arg; replaces glutamine 1754 with arginine.
Molecular consequence: missense variant.
Genome position (GRCh38, 1-based): chr9:93,292,726, A>G. VCF-style: chr9-93292726-A-G. GRCh37 (hg19) VCF-style: chr9-96055008-A-G.
Other names: c.5372A>G, p.Gln1791Arg (NM_001282394.3); short protein forms Q1754R, Q1791R.
Identifiers: ClinVar variation 3982070 (VCV003982070.1).